The following is an entry in ClinVar:

NC_000019.9:g.(?_49494539)_(49496369_?)dup

Gene: GYS1 (glycogen synthase 1; minus strand). Cytogenetic location: 19q13.33.
Variant type: Duplication.
Identifiers: ClinVar variation 2424356 (VCV002424356.4).

ClinVar aggregate classification (germline): Uncertain significance (1 of 4 stars; one submission).

Conditions:
Glycogen storage disease due to muscle and heart glycogen synthase deficiency. Also called: MUSCLE GLYCOGEN SYNTHASE DEFICIENCY; GSD 0b. Identifiers: Orphanet 137625, MedGen C1969054, MONDO:0012693, OMIM 611556.

Submission:

Labcorp Genetics (formerly Invitae), Labcorp
Classification: Uncertain significance for Glycogen storage disease due to muscle and heart glycogen synthase deficiency. Last evaluated: 2022-03-27. Review status: criteria provided, single submitter. Criteria: Invitae Variant Classification Sherloc (09022015). Collection method: clinical testing. Allele origin: germline.
Comment: In summary, the available evidence is currently insufficient to determine the role of this variant in disease. Therefore, it has been classified as a Variant of Uncertain Significance. Experimental studies and prediction algorithms are not available or were not evaluated, and the functional significance of this variant is currently unknown. This variant has not been reported in the literature in individuals affected with GYS1-related conditions. This variant results in a copy number gain of the genomic region encompassing exon(s) 1-2 of the GYS1 gene. This region includes the initiator codon of the gene. This copy number gain extends beyond the assayed region for this gene and therefore may encompass additional genes. As the precise location of this event is unknown, it may be in tandem or it may be located elsewhere in the genome.